The following is an entry in ClinVar:

ClinVar aggregate classification (germline): Uncertain significance (1 of 4 stars; one submission).

gnomAD v4.1: 5 of 1,614,074 alleles (0.00031%); highest among the groups gnomAD compares: Non-Finnish European, 0.00042%; no homozygotes.

Submission:

GeneDx
Classification: Uncertain significance. Last evaluated: 2023-11-07. Review status: criteria provided, single submitter. Criteria: GeneDx Variant Classification Process June 2021. Collection method: clinical testing. Allele origin: germline. Affected: yes.
Comment: Not observed at significant frequency in large population cohorts (gnomAD); In silico analysis supports that this missense variant does not alter protein structure/function; Has not been previously published as pathogenic or benign to our knowledge

NM_001365999.1(SZT2):c.5093G>A (p.Arg1698His)

Gene: SZT2 (SZT2 subunit of KICSTOR complex; plus strand). Cytogenetic location: 1p34.2.
Variant type: single nucleotide variant.
Coding change: c.5093G>A on transcript NM_001365999.1 (MANE Select); coding-DNA position 5093, G replaced by A.
Protein change: p.Arg1698His; replaces arginine 1698 with histidine.
Molecular consequence: missense variant.
Genome position (GRCh38, 1-based): chr1:43,431,720, G>A. VCF-style: chr1-43431720-G-A. GRCh37 (hg19) VCF-style: chr1-43897391-G-A.
Other names: c.4922G>A, p.Arg1641His (NM_015284.4); short protein forms R1641H, R1698H.
Identifiers: ClinVar variation 3363845 (VCV003363845.1).